The following is an entry in ClinVar:

ClinVar aggregate classification (germline): Uncertain significance. Review status: criteria provided, multiple submitters, no conflicts (2 of 4 stars). 4 submissions from 4 submitters: Uncertain significance (4). Last evaluated 2024-07-06.

Conditions:
Inborn genetic diseases. Identifiers: MedGen C0950123, MeSH D030342.
ALG9 congenital disorder of glycosylation (CDG1L). Also called: ALG9-CDG; CONGENITAL DISORDER OF GLYCOSYLATION, TYPE Il; CDG Il. Identifiers: Orphanet 79328, MedGen C2931006, MONDO:0012117, OMIM 608776.

Allele frequency attached by ClinVar (database versions not stated): gnomAD exomes 0.00001 and 0.00002; TOPMed 0.00001; ExAC 0.00002; gnomAD 0.00002; ESP Exome Variant Server 0.00008.
gnomAD v4.1: 28 of 1,614,000 alleles (0.0017%); highest among the groups gnomAD compares: Middle Eastern, 0.049%; no homozygotes.

Submissions (4):

Ambry Genetics
Classification: Uncertain significance for Inborn genetic diseases. Last evaluated: 2024-07-06. Review status: criteria provided, single submitter. Criteria: Ambry Variant Classification Scheme 2023. Collection method: clinical testing. Allele origin: germline.

GeneDx
Classification: Uncertain significance. Last evaluated: 2023-04-28. Review status: criteria provided, single submitter. Criteria: GeneDx Variant Classification Process June 2021. Collection method: clinical testing. Allele origin: germline. Affected: yes.
Comment: Not observed at significant frequency in large population cohorts (gnomAD); In silico analysis supports that this missense variant does not alter protein structure/function; Has not been previously published as pathogenic or benign to our knowledge

Labcorp Genetics (formerly Invitae), Labcorp
Classification: Uncertain significance for ALG9 congenital disorder of glycosylation. Last evaluated: 2021-12-13. Review status: criteria provided, single submitter. Criteria: Invitae Variant Classification Sherloc (09022015). Collection method: clinical testing. Allele origin: germline.
Comment: In summary, the available evidence is currently insufficient to determine the role of this variant in disease. Therefore, it has been classified as a Variant of Uncertain Significance. Algorithms developed to predict the effect of missense changes on protein structure and function (SIFT, PolyPhen-2, Align-GVGD) all suggest that this variant is likely to be tolerated. This variant has not been reported in the literature in individuals affected with ATP6V0A2-related conditions. This variant is present in population databases (rs370299179, gnomAD 0.003%). This sequence change replaces glutamic acid, which is acidic and polar, with lysine, which is basic and polar, at codon 377 of the ATP6V0A2 protein (p.Glu377Lys).

Breakthrough Genomics
Classification: Uncertain significance. Review status: criteria provided, single submitter. Criteria: ACMG Guidelines, 2015. Collection method: not provided. Allele origin: germline. Inheritance: Autosomal recessive inheritance. Affected: yes.

NM_012463.4(ATP6V0A2):c.1129G>A (p.Glu377Lys)

Gene: ATP6V0A2 (ATPase H+ transporting V0 subunit a2; plus strand). Cytogenetic location: 12q24.31.
Variant type: single nucleotide variant.
Coding change: c.1129G>A on transcript NM_012463.4 (MANE Select); coding-DNA position 1129, G replaced by A.
Protein change: p.Glu377Lys; replaces glutamic acid 377 with lysine.
Molecular consequence: missense variant.
Genome position (GRCh38, 1-based): chr12:123,743,875, G>A. VCF-style: chr12-123743875-G-A. GRCh37 (hg19) VCF-style: chr12-124228422-G-A.
Other names: c.1129G>A (NM_012463.3); short protein forms E377K.
Identifiers: ClinVar variation 1478069 (VCV001478069.6), dbSNP rs370299179, ClinGen allele CA6861854.